The following is an entry in ClinVar:

NM_015214.3(DDHD2):c.280G>T (p.Gly94Trp)

Gene: DDHD2 (DDHD domain containing 2; plus strand). Cytogenetic location: 8p11.23.
Variant type: single nucleotide variant.
Coding change: c.280G>T on transcript NM_015214.3 (MANE Select); coding-DNA position 280, G replaced by T.
Protein change: p.Gly94Trp; replaces glycine 94 with tryptophan.
Molecular consequence: missense variant. On other transcripts: non-coding transcript variant (2).
Genome position (GRCh38, 1-based): chr8:38,234,453, G>T. VCF-style: chr8-38234453-G-T. GRCh37 (hg19) VCF-style: chr8-38091971-G-T.
Other names: c.280G>T, p.Gly94Trp (NM_001164232.2, NM_001164234.2, NM_001362911.2 and 3 more transcripts); short protein forms G94W.
Identifiers: ClinVar variation 1430470 (VCV001430470.3), dbSNP rs202216406, ClinGen allele CA4715925.

ClinVar aggregate classification (germline): Uncertain significance (1 of 4 stars; one submission).

Conditions:
Hereditary spastic paraplegia 54. Also called: Spastic paraplegia 54, autosomal recessive. Identifiers: Orphanet 320380, MedGen C3539495, MONDO:0014018, OMIM 615033.

Allele frequency attached by ClinVar (database versions not stated): ExAC 0.00007; 1000 Genomes Project 30x 0.00016; 1000 Genomes Project 0.00020.
gnomAD v4.1: 42 of 1,612,126 alleles (0.0026%); highest among the groups gnomAD compares: Admixed American, 0.047%; no homozygotes.

Submission:

Labcorp Genetics (formerly Invitae), Labcorp
Classification: Uncertain significance for Hereditary spastic paraplegia 54. Last evaluated: 2022-06-23. Review status: criteria provided, single submitter. Criteria: Invitae Variant Classification Sherloc (09022015). Collection method: clinical testing. Allele origin: germline.
Comment: This sequence change replaces glycine, which is neutral and non-polar, with tryptophan, which is neutral and slightly polar, at codon 94 of the DDHD2 protein (p.Gly94Trp). This variant is present in population databases (rs202216406, gnomAD 0.05%). This variant has not been reported in the literature in individuals affected with DDHD2-related conditions. Algorithms developed to predict the effect of missense changes on protein structure and function are either unavailable or do not agree on the potential impact of this missense change (SIFT: "Deleterious"; PolyPhen-2: "Probably Damaging"; Align-GVGD: "Class C0"). In summary, the available evidence is currently insufficient to determine the role of this variant in disease. Therefore, it has been classified as a Variant of Uncertain Significance.